The following is an entry in ClinVar:

NM_015311.3(OBSL1):c.557A>G (p.Asp186Gly)

Gene: OBSL1 (obscurin like cytoskeletal adaptor 1; minus strand). Cytogenetic location: 2q35.
Variant type: single nucleotide variant.
Coding change: c.557A>G on transcript NM_015311.3 (MANE Select); coding-DNA position 557, A replaced by G.
Protein change: p.Asp186Gly; replaces aspartic acid 186 with glycine.
Molecular consequence: missense variant.
Genome position (GRCh38, 1-based): chr2:219,570,676, T>C on the plus strand (A>G on the coding strand, the complement: OBSL1 is on the minus strand). VCF-style: chr2-219570676-T-C. GRCh37 (hg19) VCF-style: chr2-220435398-T-C.
Other names: c.557A>G, p.Asp186Gly (NM_001173408.2, NM_001173431.2); short protein forms D186G.
Identifiers: ClinVar variation 334535 (VCV000334535.14), dbSNP rs886055667, ClinGen allele CA10614294.

ClinVar aggregate classification (germline): Conflicting classifications of pathogenicity. Review status: criteria provided, conflicting classifications (1 of 4 stars). 4 submissions from 4 submitters: Uncertain significance (3); Likely benign (1). Last evaluated 2024-05-07.

Conditions:
Inborn genetic diseases. Identifiers: MedGen C0950123, MeSH D030342.
3M syndrome 2. Also called: 3-M Syndrome, OBSL1-Related; THREE M SYNDROME 2. Identifiers: Orphanet 2616, MedGen C2752041, MONDO:0013039, OMIM 612921.

Allele frequency attached by ClinVar (database versions not stated): gnomAD 0.00003 and 0.00004; gnomAD exomes 0.00003; TOPMed 0.00004.
gnomAD v4.1: 79 of 1,507,162 alleles (0.0052%); highest among the groups gnomAD compares: Non-Finnish European, 0.006%; no homozygotes.

Submissions (4):

Blueprint Genetics
Classification: Uncertain significance. Last evaluated: 2024-05-07. Review status: criteria provided, single submitter. Criteria: ACMG Guidelines, 2015. Collection method: clinical testing. Allele origin: germline.

Labcorp Genetics (formerly Invitae), Labcorp
Classification: Uncertain significance. Last evaluated: 2024-01-25. Review status: criteria provided, single submitter. Criteria: Invitae Variant Classification Sherloc (09022015). Collection method: clinical testing. Allele origin: germline.
Comment: This sequence change replaces aspartic acid, which is acidic and polar, with glycine, which is neutral and non-polar, at codon 186 of the OBSL1 protein (p.Asp186Gly). The frequency data for this variant in the population databases is considered unreliable, as metrics indicate poor data quality at this position in the gnomAD database. This variant has not been reported in the literature in individuals affected with OBSL1-related conditions. ClinVar contains an entry for this variant (Variation ID: 334535). Algorithms developed to predict the effect of missense changes on protein structure and function output the following: SIFT: "Not Available"; PolyPhen-2: "Benign"; Align-GVGD: "Not Available". The glycine amino acid residue is found in multiple mammalian species, which suggests that this missense change does not adversely affect protein function. In summary, the available evidence is currently insufficient to determine the role of this variant in disease. Therefore, it has been classified as a Variant of Uncertain Significance.

Ambry Genetics
Classification: Likely benign for Inborn genetic diseases. Last evaluated: 2022-10-12. Review status: criteria provided, single submitter. Criteria: Ambry Variant Classification Scheme 2023. Collection method: clinical testing. Allele origin: germline.

Illumina Laboratory Services, Illumina
Classification: Uncertain significance for 3M syndrome 2. Last evaluated: 2018-01-13. Review status: criteria provided, single submitter. Criteria: ICSL Variant Classification Criteria 13 December 2019. Collection method: clinical testing. Allele origin: germline.